The following is an entry in ClinVar:

ClinVar aggregate classification (germline): Uncertain significance (1 of 4 stars; one submission).

Conditions:
Familial cancer of breast. Also called: Hereditary breast cancer; BREAST CANCER, FAMILIAL; hereditary breast carcinoma. Identifiers: Orphanet 227535, MedGen C0346153, MONDO:0016419, OMIM 114480. Disease mechanism: loss of function.
Fanconi anemia complementation group J. Also called: BRIP1-Related Fanconi Anemia. Identifiers: Orphanet 84, MedGen C1836860, MONDO:0012187, OMIM 609054.

Submission:

Labcorp Genetics (formerly Invitae), Labcorp
Classification: Uncertain significance for Familial cancer of breast; Fanconi anemia complementation group J. Last evaluated: 2025-07-13. Review status: criteria provided, single submitter. Criteria: Invitae Variant Classification Sherloc (09022015). Collection method: clinical testing. Allele origin: germline.
Comment: This sequence change replaces proline, which is neutral and non-polar, with arginine, which is basic and polar, at codon 574 of the BRIP1 protein (p.Pro574Arg). This variant is not present in population databases (gnomAD no frequency). This variant has not been reported in the literature in individuals affected with BRIP1-related conditions. ClinVar contains an entry for this variant (Variation ID: 2104692). Invitae Evidence Modeling of protein sequence and biophysical properties (such as structural, functional, and spatial information, amino acid conservation, physicochemical variation, residue mobility, and thermodynamic stability) indicates that this missense variant is not expected to disrupt BRIP1 protein function with a negative predictive value of 95%. In summary, the available evidence is currently insufficient to determine the role of this variant in disease. Therefore, it has been classified as a Variant of Uncertain Significance.

NM_032043.3(BRIP1):c.1721C>G (p.Pro574Arg)

Gene: BRIP1 (BRCA1 interacting DNA helicase 1; minus strand). Cytogenetic location: 17q23.2.
Variant type: single nucleotide variant.
Coding change: c.1721C>G on transcript NM_032043.3 (MANE Select); coding-DNA position 1721, C replaced by G.
Protein change: p.Pro574Arg; replaces proline 574 with arginine.
Molecular consequence: missense variant.
Genome position (GRCh38, 1-based): chr17:61,780,913, G>C on the plus strand (C>G on the coding strand, the complement: BRIP1 is on the minus strand). VCF-style: chr17-61780913-G-C. GRCh37 (hg19) VCF-style: chr17-59858274-G-C.
Other names: short protein forms P574R.
Identifiers: ClinVar variation 2104692 (VCV002104692.2), dbSNP rs377302300, ClinGen allele CA400480390.